The following is an entry in ClinVar:

NM_005228.5(EGFR):c.963C>G (p.Asp321Glu)

Gene: EGFR (epidermal growth factor receptor; plus strand). Cytogenetic location: 7p11.2.
Variant type: single nucleotide variant.
Coding change: c.963C>G on transcript NM_005228.5 (MANE Select); coding-DNA position 963, C replaced by G.
Protein change: p.Asp321Glu; replaces aspartic acid 321 with glutamic acid.
Molecular consequence: missense variant.
Genome position (GRCh38, 1-based): chr7:55,155,903, C>G. VCF-style: chr7-55155903-C-G. GRCh37 (hg19) VCF-style: chr7-55223596-C-G.
Other names: c.828C>G, p.Asp276Glu (NM_001346897.2, NM_001346899.2); c.963C>G, p.Asp321Glu (NM_001346898.2, NM_201282.2, NM_201283.2 and 1 more transcripts); c.804C>G, p.Asp268Glu (NM_001346900.2); c.162C>G, p.Asp54Glu (NM_001346941.2); short protein forms D54E, D268E, D276E, D321E.
Identifiers: ClinVar variation 2707111 (VCV002707111.4), dbSNP rs764038041, ClinGen allele CA367578078.
Genomic context (GRCh38, chr7:55,155,903, plus strand): 5'-GACAGATCACGGCTCGTGCGTCCGAGCCTGTGGGGCCGACAGCTATGAGATGGAGGAAGA[C>G]GGCGTCCGCAAGTGTAAGAAGTGCGAAGGGCCTTGCCGCAAAGGTAGGAAGCCCGCCGGT-3'
Protein context (NP_005219.2, residues 311-331): CGADSYEMEE[Asp321Glu]GVRKCKKCEG

ClinVar aggregate classification (germline): Uncertain significance. Review status: criteria provided, multiple submitters, no conflicts (2 of 4 stars). 2 submissions from 2 submitters: Uncertain significance (2). Last evaluated 2025-04-19.

Conditions:
Hereditary cancer-predisposing syndrome. Also called: Hereditary neoplastic syndrome; Neoplastic Syndromes, Hereditary; Hereditary Cancer Syndrome; Tumor predisposition. Identifiers: Orphanet 140162, MedGen C0027672, MeSH D009386, MONDO:0015356.
EGFR-related lung cancer (EGFR). Identifiers: MedGen CN130014.

Submissions (2):

Ambry Genetics
Classification: Uncertain significance for Hereditary cancer-predisposing syndrome. Last evaluated: 2025-04-19. Review status: criteria provided, single submitter. Criteria: Ambry Variant Classification Scheme 2023. Collection method: clinical testing. Allele origin: germline.
Comment: The p.D321E variant (also known as c.963C>G), located in coding exon 8 of the EGFR gene, results from a C to G substitution at nucleotide position 963. The aspartic acid at codon 321 is replaced by glutamic acid, an amino acid with highly similar properties. This amino acid position is conserved. In addition, this alteration is predicted to be tolerated by in silico analysis. Based on the available evidence, the clinical significance of this variant remains unclear.

Labcorp Genetics (formerly Invitae), Labcorp
Classification: Uncertain significance for EGFR-related lung cancer. Last evaluated: 2024-01-06. Review status: criteria provided, single submitter. Criteria: Invitae Variant Classification Sherloc (09022015). Collection method: clinical testing. Allele origin: germline.
Comment: This sequence change replaces aspartic acid, which is acidic and polar, with glutamic acid, which is acidic and polar, at codon 321 of the EGFR protein (p.Asp321Glu). This variant is not present in population databases (gnomAD no frequency). This variant has not been reported in the literature in individuals affected with EGFR-related conditions. Advanced modeling of protein sequence and biophysical properties (such as structural, functional, and spatial information, amino acid conservation, physicochemical variation, residue mobility, and thermodynamic stability) performed at Invitae indicates that this missense variant is not expected to disrupt EGFR protein function with a negative predictive value of 80%. In summary, the available evidence is currently insufficient to determine the role of this variant in disease. Therefore, it has been classified as a Variant of Uncertain Significance.